The following is an entry in ClinVar:

ClinVar aggregate classification (germline): Uncertain significance. Review status: criteria provided, multiple submitters, no conflicts (2 of 4 stars). 5 submissions from 5 submitters: Uncertain significance (5). Last evaluated 2026-07-30.

Conditions:
Gastrointestinal stromal tumor. Also called: Gastrointestinal stromal tumor, somatic; Gastrointestinal stroma tumor. Identifiers: Orphanet 44890, MedGen C0238198, MeSH D046152, MONDO:0011719, OMIM 606764, HP:0100723.
SDHA-related disorder. Also called: SDHA-related disorders; SDHA-related condition.
Dilated cardiomyopathy 1GG (CMD1GG). Identifiers: Orphanet 154, MedGen C3150898, MONDO:0013339, OMIM 613642.
Pheochromocytoma/paraganglioma syndrome 5. Also called: Paragangliomas 5; SDHA-Related Hereditary Paraganglioma-Pheochromocytoma Syndrome. Identifiers: Orphanet 29072, MedGen C3279992, MONDO:0013602, OMIM 614165.
Mitochondrial complex II deficiency, nuclear type 1. Also called: SUCCINATE CoQ REDUCTASE DEFICIENCY. Identifiers: Orphanet 3208, MedGen C5700310, MONDO:0100294, OMIM 252011.
Hereditary cancer-predisposing syndrome. Also called: Neoplastic Syndromes, Hereditary; Tumor predisposition; Hereditary neoplastic syndrome; Hereditary Cancer Syndrome. Identifiers: Orphanet 140162, MedGen C0027672, MeSH D009386, MONDO:0015356.

Allele frequency attached by ClinVar (database versions not stated): gnomAD exomes below 0.00001.

Submissions (5):

PreventionGenetics, part of Exact Sciences
Classification: Uncertain significance for SDHA-related condition. Last evaluated: 2026-07-30. Review status: criteria provided, single submitter. Criteria: ACMG Guidelines, 2015. Collection method: clinical testing. Allele origin: germline.
Comment: The SDHA c.1255G>A variant is predicted to result in the amino acid substitution p.Gly419Arg. To our knowledge, this variant has not been reported in the literature as germline in individuals with SDHA-related conditions and is absent in a large population database (gnomAD), indicating this variant is rare. Experimental studies using yeast showed this variant impacts SDHA function (Bannon et al. 2017. PubMed ID: 28724664). This variant is interpreted as uncertain in ClinVar (Variation ID: 963836). At this time, the clinical significance of this variant is uncertain due to the absence of conclusive functional and genetic evidence.

Ambry Genetics
Classification: Uncertain significance for Hereditary cancer-predisposing syndrome. Last evaluated: 2025-07-25. Review status: criteria provided, single submitter. Criteria: Ambry Variant Classification Scheme 2023. Collection method: clinical testing. Allele origin: germline.
Comment: The p.G419R variant (also known as c.1255G>A), located in coding exon 9 of the SDHA gene, results from a G to A substitution at nucleotide position 1255. The glycine at codon 419 is replaced by arginine, an amino acid with dissimilar properties. This variant has been reported as a somatic alteration in a patient with a gastrointestinal stromal tumor (Pantaleo MA et al. Front Oncol . 2021 Jan;11:778461). This variant was reported to impair SDHA activity in a yeast-based functional study (Bannon AE et al. Clin Cancer Res, 2017 Nov;23:6733-6743). This amino acid position is highly conserved in available vertebrate species. In addition, this alteration is predicted to be deleterious by in silico analysis. Based on the available evidence, the clinical significance of this variant remains unclear.

Labcorp Genetics (formerly Invitae), Labcorp
Classification: Uncertain significance for Pheochromocytoma/paraganglioma syndrome 5; Mitochondrial complex II deficiency, nuclear type 1. Last evaluated: 2025-07-21. Review status: criteria provided, single submitter. Criteria: Invitae Variant Classification Sherloc (09022015). Collection method: clinical testing. Allele origin: germline.
Comment: This sequence change replaces glycine, which is neutral and non-polar, with arginine, which is basic and polar, at codon 419 of the SDHA protein (p.Gly419Arg). This variant is not present in population databases (gnomAD no frequency). This missense change has been observed in individual(s) with SDHA-related conditions (PMID: 23612575). ClinVar contains an entry for this variant (Variation ID: 963836). Invitae Evidence Modeling of protein sequence and biophysical properties (such as structural, functional, and spatial information, amino acid conservation, physicochemical variation, residue mobility, and thermodynamic stability) has been performed for this missense variant. However, the output from this modeling did not meet the statistical confidence thresholds required to predict the impact of this variant on SDHA protein function. Experimental studies have shown that this missense change affects SDHA function (PMID: 28724664). RNA analysis performed to evaluate the impact of this missense change on mRNA splicing indicates it does not significantly alter splicing (internal data). In summary, the available evidence is currently insufficient to determine the role of this variant in disease. Therefore, it has been classified as a Variant of Uncertain Significance.

Baylor Genetics
Classification: Uncertain significance for Dilated cardiomyopathy 1GG. Last evaluated: 2023-06-14. Review status: criteria provided, single submitter. Criteria: ACMG Guidelines, 2015. Collection method: clinical testing. Allele origin: unknown.

“Giorgio Prodi” Cancer Research Center, University of Bologna
Classification: Uncertain significance for Gastrointestinal stromal tumor. Last evaluated: 2021-10-01. Review status: criteria provided, single submitter. Criteria: ACMG Guidelines, 2015. Collection method: research. Allele origin: somatic. Affected: yes. Observed: 1 variant allele.

Literature cited by the submitters: PubMed 28724664 (cited by Ambry Genetics and Labcorp Genetics (formerly Invitae), Labcorp); PubMed 35059314 (cited by Ambry Genetics); PubMed 23612575 (cited by Labcorp Genetics (formerly Invitae), Labcorp).

NM_004168.4(SDHA):c.1255G>A (p.Gly419Arg)

Gene: SDHA (succinate dehydrogenase complex flavoprotein subunit A; plus strand). Cytogenetic location: 5p15.33.
Variant type: single nucleotide variant.
Coding change: c.1255G>A on transcript NM_004168.4 (MANE Select); coding-DNA position 1255, G replaced by A.
Protein change: p.Gly419Arg; replaces glycine 419 with arginine.
Molecular consequence: missense variant.
Genome position (GRCh38, 1-based): chr5:235,334, G>A. VCF-style: chr5-235334-G-A. GRCh37 (hg19) VCF-style: chr5-235449-G-A.
Other names: c.1255G>A (NM_004168.2); c.1111G>A, p.Gly371Arg (NM_001294332.2); c.1255G>A, p.Gly419Arg (NM_001330758.2); short protein forms G419R, G371R.
Identifiers: ClinVar variation 963836 (VCV000963836.22), dbSNP rs1735709331, ClinGen allele CA359013772.
Genomic context (GRCh38, chr5:235,334, plus strand): 5'-CCGATCCCTGTCCTCCCCACCGTGCATTATAACATGGGCGGCATTCCCACCAACTACAAG[G>A]GGCAGGTGATGGTGCTGGCTCCTCCCCCACAGCTGGAAAGAAGGCTGGGACGACGGGGCC-3'
Protein context (NP_004159.2, residues 409-429): NMGGIPTNYK[Gly419Arg]QVLRHVNGQD